The following is an entry in ClinVar:

ClinVar aggregate classification (germline): Pathogenic/Likely pathogenic. Review status: criteria provided, multiple submitters, no conflicts (2 of 4 stars). 5 submissions from 5 submitters: Pathogenic (2); Likely pathogenic (3). Last evaluated 2023-06-25.

Conditions:
Hereditary cancer-predisposing syndrome. Also called: Neoplastic Syndromes, Hereditary; Hereditary neoplastic syndrome; Tumor predisposition; Hereditary Cancer Syndrome. Identifiers: Orphanet 140162, MedGen C0027672, MeSH D009386, MONDO:0015356.
Familial cancer of breast. Also called: hereditary breast carcinoma; BREAST CANCER, FAMILIAL; Hereditary breast cancer. Identifiers: Orphanet 227535, MedGen C0346153, MONDO:0016419, OMIM 114480. Disease mechanism: loss of function.
Fanconi anemia complementation group J. Also called: BRIP1-Related Fanconi Anemia. Identifiers: Orphanet 84, MedGen C1836860, MONDO:0012187, OMIM 609054.
Hereditary breast ovarian cancer syndrome. Also called: BRCA1- and BRCA2-Associated Hereditary Breast and Ovarian Cancer; Hereditary breast and ovarian cancer syndrome (HBOC); Hereditary breast and/or ovarian cancer syndrome; Breast and ovarian cancer; Hereditary breast and ovarian cancer; Hereditary breast and ovarian cancer syndrome. Identifiers: Orphanet 145, MedGen C0677776, MeSH D061325, MONDO:0003582. Disease mechanism: loss of function.

Submissions (5):

Labcorp Genetics (formerly Invitae), Labcorp
Classification: Pathogenic for Familial cancer of breast; Fanconi anemia complementation group J. Last evaluated: 2023-06-25. Review status: criteria provided, single submitter. Criteria: Invitae Variant Classification Sherloc (09022015). Collection method: clinical testing. Allele origin: germline.
Comment: This variant is not present in population databases (gnomAD no frequency). This sequence change creates a premature translational stop signal (p.Glu795*) in the BRIP1 gene. It is expected to result in an absent or disrupted protein product. Loss-of-function variants in BRIP1 are known to be pathogenic (PMID: 16116423, 17033622, 21964575). This variant has not been reported in the literature in individuals affected with BRIP1-related conditions. For these reasons, this variant has been classified as Pathogenic. ClinVar contains an entry for this variant (Variation ID: 1691984).

Myriad Genetics, Inc.
Classification: Pathogenic for Familial cancer of breast. Last evaluated: 2023-06-06. Review status: criteria provided, single submitter. Criteria: Myriad Autosomal Dominant, Autosomal Recessive and X-Linked Classification Criteria (2023). Collection method: clinical testing. Allele origin: unknown.
Comment: This variant is considered pathogenic. This variant creates a termination codon and is predicted to result in premature protein truncation.

GeneDx
Classification: Likely pathogenic. Last evaluated: 2023-03-23. Review status: criteria provided, single submitter. Criteria: GeneDx Variant Classification Process June 2021. Collection method: clinical testing. Allele origin: germline. Affected: yes.
Comment: Nonsense variant predicted to result in protein truncation or nonsense mediated decay in a gene for which loss of function is a known mechanism of disease; Not observed at significant frequency in large population cohorts (gnomAD); Has not been previously published as pathogenic or benign to our knowledge

Laboratory for Molecular Medicine, Mass General Brigham Personalized Medicine
Classification: Likely pathogenic for Hereditary breast ovarian cancer syndrome. Last evaluated: 2022-11-03. Review status: criteria provided, single submitter. Criteria: ACMG Guidelines, 2015. Collection method: clinical testing. Allele origin: germline.
Comment: The p.Glu795X variant in BRIP1 has not been reported in individuals with breast and or ovarian cancer and was absent from lrge population studies. This nonsense variant leads to a premature termination codon at position 795, which is predicted to lead to a truncated or absent protein. Loss of function of the BRIP1 gene is an established disease mechanism in autosomal dominant breast and ovariant cancer. In summary, although additional studies are required to fully establish its clinical significance, this variant meets criteria to be classified as likely pathogenic for autosomal dominant breast and ovarian cancer. ACMG/AMP Criteria applied: PVS1, PM2_Supporting.

Sema4
Classification: Likely pathogenic for Hereditary cancer-predisposing syndrome. Last evaluated: 2022-02-02. Review status: criteria provided, single submitter. Criteria: Sema4 Curation Guidelines. Collection method: curation. Allele origin: germline.
Comment: To the best of our knowledge, the BRIP1 c.2383G>T (p.E795X) variant has not been reported in individuals with BRIP1-related disease. Functional studies have shown that this variant retained the ability to confer ICL (inter-strand crosslinks resistance) (PMID: 33619228). This nonsense variant creates a premature stop codon at residue 795 of the BRIP1 protein. At this location, this variant is predicted to cause loss of normal protein function either through protein truncation or nonsense-mediated mRNA decay. Loss of function of the PALB2 gene is an established disease mechanism. This variant was not observed in the large and broad cohorts of the Genome Aggregation Database (PMID: 32461654). This variant has not been reported in ClinVar. Based on the current evidence available, this variant is interpreted as likely pathogenic.

Literature cited by the submitters: PubMed 16116423 (cited by Labcorp Genetics (formerly Invitae), Labcorp); PubMed 17033622 (cited by Labcorp Genetics (formerly Invitae), Labcorp); PubMed 21964575 (cited by Labcorp Genetics (formerly Invitae), Labcorp); PubMed 33619228 (cited by Sema4).

NM_032043.3(BRIP1):c.2383G>T (p.Glu795Ter)

Gene: BRIP1 (BRCA1 interacting DNA helicase 1; minus strand). Cytogenetic location: 17q23.2.
Variant type: single nucleotide variant.
Coding change: c.2383G>T on transcript NM_032043.3 (MANE Select); coding-DNA position 2383, G replaced by T.
Protein change: p.Glu795Ter; replaces glutamic acid 795 with a stop codon.
Molecular consequence: nonsense.
Genome position (GRCh38, 1-based): chr17:61,716,060, C>A on the plus strand (G>T on the coding strand, the complement: BRIP1 is on the minus strand). VCF-style: chr17-61716060-C-A. GRCh37 (hg19) VCF-style: chr17-59793421-C-A.
Other names: short protein forms E795*.
Identifiers: ClinVar variation 1691984 (VCV001691984.8), dbSNP rs2144384208, ClinGen allele CA400479849.